The following is an entry in ClinVar:

NM_000051.4(ATM):c.1061dup (p.His354fs)

Gene: ATM (ATM serine/threonine kinase; plus strand). Cytogenetic location: 11q22.3.
Variant type: Duplication.
Coding change: c.1061dup on transcript NM_000051.4 (MANE Select); coding-DNA position 1061, one base duplicated (A; older notation c.1061dupA).
Protein change: p.His354fs; shifts the reading frame from histidine 354.
Molecular consequence: frameshift variant.
Genome position (GRCh38, 1-based): chr11:108,247,123, A duplicated. VCF-style (leftmost placement, unchanged base first): chr11-108247122-C-CA. GRCh37 (hg19) VCF-style: chr11-108117849-C-CA.
Other names: c.1061dup, p.His354fs (NM_001351834.2); short protein forms H354fs.
Identifiers: ClinVar variation 3148356 (VCV003148356.1), dbSNP rs2497183477, ClinGen allele CA2825001765.

ClinVar aggregate classification (germline): Pathogenic (1 of 4 stars; one submission).

Conditions:
Familial cancer of breast. Also called: BREAST CANCER, FAMILIAL; Hereditary breast cancer; hereditary breast carcinoma. Identifiers: Orphanet 227535, MedGen C0346153, MONDO:0016419, OMIM 114480. Disease mechanism: loss of function.

Submission:

Myriad Genetics, Inc.
Classification: Pathogenic for Familial cancer of breast. Last evaluated: 2024-01-11. Review status: criteria provided, single submitter. Criteria: Myriad Autosomal Dominant, Autosomal Recessive and X-Linked Classification Criteria (2023). Collection method: clinical testing. Allele origin: unknown.
Comment: This variant is considered pathogenic. This variant creates a frameshift predicted to result in premature protein truncation.